The following is an entry in ClinVar:

ClinVar aggregate classification (germline): Uncertain significance. Review status: criteria provided, multiple submitters, no conflicts (2 of 4 stars). 2 submissions from 2 submitters: Uncertain significance (2). Last evaluated 2026-06-30.

Conditions:
GLB1-related disorder. Also called: GLB1-related disorders. Identifiers: MedGen CN377807.
GM1 gangliosidosis. Identifiers: Orphanet 354, MedGen C0085131, MONDO:0018149.
Mucopolysaccharidosis, MPS-IV-B (MPS4B). Also called: MORQUIO SYNDROME B; Mucopolysaccharidosis type 4B; Mucopolysaccharidosis type IVB (Morquio); MPS IVB; Mucopolysaccharidosis Type IVB (Morquio B Disease); Mucopolysaccharidosis type IV B. Identifiers: Orphanet 309310, Orphanet 582, MedGen C0086652, MONDO:0009660, OMIM 253010.

gnomAD v4.1: 12 of 1,612,538 alleles (0.00074%); highest among the groups gnomAD compares: Admixed American, 0.0033%; no homozygotes.

Submissions (2):

PreventionGenetics, part of Exact Sciences
Classification: Uncertain significance for GLB1-related condition. Last evaluated: 2026-06-30. Review status: criteria provided, single submitter. Criteria: ACMG Guidelines, 2015. Collection method: clinical testing. Allele origin: germline.
Comment: The GLB1 c.5C>T variant is predicted to result in the amino acid substitution p.Pro2Leu. To our knowledge, this variant has not been reported in the literature. This variant is reported in 0.0059% of alleles in individuals of Latino descent in gnomAD. At this time, the clinical significance of this variant is uncertain due to the absence of conclusive functional and genetic evidence.

Labcorp Genetics (formerly Invitae), Labcorp
Classification: Uncertain significance for Mucopolysaccharidosis, MPS-IV-B; GM1 gangliosidosis. Last evaluated: 2022-08-22. Review status: criteria provided, single submitter. Criteria: Invitae Variant Classification Sherloc (09022015). Collection method: clinical testing. Allele origin: germline.
Comment: This sequence change replaces proline, which is neutral and non-polar, with leucine, which is neutral and non-polar, at codon 2 of the GLB1 protein (p.Pro2Leu). This variant is present in population databases (rs779544911, gnomAD 0.006%). This variant has not been reported in the literature in individuals affected with GLB1-related conditions. Advanced modeling of protein sequence and biophysical properties (such as structural, functional, and spatial information, amino acid conservation, physicochemical variation, residue mobility, and thermodynamic stability) performed at Invitae indicates that this missense variant is not expected to disrupt GLB1 protein function. In summary, the available evidence is currently insufficient to determine the role of this variant in disease. Therefore, it has been classified as a Variant of Uncertain Significance.

NM_000404.4(GLB1):c.5C>T (p.Pro2Leu)

Genes: GLB1 (galactosidase beta 1; minus strand), TMPPE (transmembrane protein with metallophosphoesterase domain; minus strand), LOC129936434 (ATAC-STARR-seq lymphoblastoid silent region 14182; plus strand). Cytogenetic location: 3p22.3.
Variant type: single nucleotide variant.
Coding change: c.5C>T on transcript NM_000404.4 (MANE Select); coding-DNA position 5, C replaced by T.
Protein change: p.Pro2Leu; replaces proline 2 with leucine.
Molecular consequence: missense variant. On other transcripts: 5 prime UTR variant (2).
Genome position (GRCh38, 1-based): chr3:33,097,081, G>A on the plus strand (C>T on the coding strand, the complement: GLB1 is on the minus strand). VCF-style: chr3-33097081-G-A. GRCh37 (hg19) VCF-style: chr3-33138573-G-A.
Other names: c.5C>T, p.Pro2Leu (NM_001135602.3, NM_001317040.2, NM_001393580.1); c.-471C>T (NM_001039770.3); c.-367C>T (NM_001136238.2); c.5C>T (NM_000404.3); short protein forms P2L.
Identifiers: ClinVar variation 2194800 (VCV002194800.2), dbSNP rs779544911, ClinGen allele CA2300145.